The following is an entry in ClinVar:

ClinVar aggregate classification (germline): Uncertain significance (1 of 4 stars; one submission).

Conditions:
Hereditary cancer-predisposing syndrome. Also called: Tumor predisposition; Neoplastic Syndromes, Hereditary; Hereditary Cancer Syndrome; Hereditary neoplastic syndrome. Identifiers: Orphanet 140162, MedGen C0027672, MeSH D009386, MONDO:0015356.

Allele frequency attached by ClinVar (database versions not stated): TOPMed below 0.00001.

Submission:

Ambry Genetics
Classification: Uncertain significance for Hereditary cancer-predisposing syndrome. Last evaluated: 2021-11-24. Review status: criteria provided, single submitter. Criteria: Ambry Variant Classification Scheme 2023. Collection method: clinical testing. Allele origin: germline.
Comment: The p.I1037N variant (also known as c.3110T>A), located in coding exon 10 of the PALB2 gene, results from a T to A substitution at nucleotide position 3110. The isoleucine at codon 1037 is replaced by asparagine, an amino acid with dissimilar properties. This amino acid position is conserved. In addition, the in silico prediction for this alteration is inconclusive. Since supporting evidence is limited at this time, the clinical significance of this alteration remains unclear.

NM_024675.4(PALB2):c.3110T>A (p.Ile1037Asn)

Gene: PALB2 (partner and localizer of BRCA2; minus strand). Cytogenetic location: 16p12.2.
Variant type: single nucleotide variant.
Coding change: c.3110T>A on transcript NM_024675.4 (MANE Select); coding-DNA position 3110, T replaced by A.
Protein change: p.Ile1037Asn; replaces isoleucine 1037 with asparagine.
Molecular consequence: missense variant.
Genome position (GRCh38, 1-based): chr16:23,621,365, A>T on the plus strand (T>A on the coding strand, the complement: PALB2 is on the minus strand). VCF-style: chr16-23621365-A-T. GRCh37 (hg19) VCF-style: chr16-23632686-A-T.
Other names: c.3050T>A, p.Ile1017Asn (NM_001407296.1); c.3038T>A, p.Ile1013Asn (NM_001407297.1); c.2948T>A, p.Ile983Asn (NM_001407298.1, NM_001407302.1); c.3110T>A, p.Ile1037Asn (NM_001407299.1, NM_001407301.1); c.2225T>A, p.Ile742Asn (NM_001407304.1, NM_001407305.1, NM_001407306.1 and 4 more transcripts); c.2063T>A, p.Ile688Asn (NM_001407307.1); c.1322T>A, p.Ile441Asn (NM_001407312.1, NM_001407313.1); c.644T>A, p.Ile215Asn (NM_001407314.1); short protein forms I1017N, I1037N, I742N, I1013N, I215N, I441N, I688N, I983N.
Identifiers: ClinVar variation 1727750 (VCV001727750.2), dbSNP rs1555459356, ClinGen allele CA395142767.